The following is an entry in ClinVar:

ClinVar aggregate classification (germline): Uncertain significance (1 of 4 stars; one submission).
ClinVar aggregate classification (oncogenicity): Uncertain significance (1 of 4 stars; one submission).

Conditions:
Neoplasm. Also called: Neoplasms; Neoplasm (disease); tumor. Identifiers: MedGen C0027651, MeSH D009369, MONDO:0005070, HP:0002664.

Allele frequency attached by ClinVar (database versions not stated): TOPMed below 0.00001; gnomAD 0.00001.
gnomAD v4.1: 6 of 1,613,912 alleles (0.00037%); highest among the groups gnomAD compares: East Asian, 0.0022%; no homozygotes.

Submissions (2):

Center for Genomic Medicine, Rigshospitalet, Copenhagen University Hospital
Classification: Uncertain significance for Neoplasm. Last evaluated: 2025-03-04. Review status: criteria provided, single submitter. Criteria: ClinGen/CGC/VICC Guidelines for Oncogenicity, 2022. Collection method: clinical testing. Allele origin: somatic. Affected: yes.

GeneDx
Classification: Uncertain significance. Last evaluated: 2021-06-30. Review status: criteria provided, single submitter. Criteria: GeneDx Variant Classification Process June 2021. Collection method: clinical testing. Allele origin: germline. Affected: yes.
Comment: Not observed at significant frequency in large population cohorts (Lek et al., 2016); In silico analysis supports that this missense variant has a deleterious effect on protein structure/function; Has not been previously published as pathogenic or benign to our knowledge; This variant is associated with the following publications: (PMID: 27535533)

NM_006180.6(NTRK2):c.2176G>A (p.Gly726Ser)

Gene: NTRK2 (neurotrophic receptor tyrosine kinase 2; plus strand). Cytogenetic location: 9q21.33.
Variant type: single nucleotide variant.
Coding change: c.2176G>A on transcript NM_006180.6 (MANE Select); coding-DNA position 2176, G replaced by A.
Protein change: p.Gly726Ser; replaces glycine 726 with serine.
Molecular consequence: missense variant.
Genome position (GRCh38, 1-based): chr9:85,020,209, G>A. VCF-style: chr9-85020209-G-A. GRCh37 (hg19) VCF-style: chr9-87635124-G-A.
Other names: c.2128G>A, p.Gly710Ser (NM_001018064.3, NM_001369532.1, NM_001369533.1); c.2092G>A, p.Gly698Ser (NM_001369534.1); c.1660G>A, p.Gly554Ser (NM_001369535.1); c.1708G>A, p.Gly570Ser (NM_001369536.1); short protein forms G554S, G570S, G698S, G710S, G726S.
Identifiers: ClinVar variation 1331122 (VCV001331122.4), dbSNP rs903676836, ClinGen allele CA195830736.